The following is an entry in ClinVar:

NM_000334.4(SCN4A):c.5179G>A (p.Glu1727Lys)

Genes: GH-LCR (growth hormone locus control region; plus strand), SCN4A (sodium voltage-gated channel alpha subunit 4; minus strand). Cytogenetic location: 17q23.3.
Variant type: single nucleotide variant.
Coding change: c.5179G>A on transcript NM_000334.4 (MANE Select); coding-DNA position 5179, G replaced by A.
Protein change: p.Glu1727Lys; replaces glutamic acid 1727 with lysine.
Molecular consequence: missense variant.
Genome position (GRCh38, 1-based): chr17:63,941,103, C>T on the plus strand (G>A on the coding strand, the complement: SCN4A is on the minus strand). VCF-style: chr17-63941103-C-T. GRCh37 (hg19) VCF-style: chr17-62018463-C-T.
Other names: short protein forms E1727K.
Identifiers: ClinVar variation 2175383 (VCV002175383.6), dbSNP rs747666894, ClinGen allele CA8708826.

ClinVar aggregate classification (germline): Uncertain significance. Review status: criteria provided, multiple submitters, no conflicts (2 of 4 stars). 3 submissions from 3 submitters: Uncertain significance (3). Last evaluated 2025-03-08.

Conditions:
Inborn genetic diseases. Identifiers: MedGen C0950123, MeSH D030342.
SCN4A-related disorder. Also called: SCN4A-related disorders.
Hyperkalemic periodic paralysis. Also called: Familial hyperkalemic periodic paralysis; Gamstorp disease. Identifiers: Orphanet 682, MedGen C0238357, MONDO:0008224, OMIM 170500, HP:0007215.

Allele frequency attached by ClinVar (database versions not stated): gnomAD exomes 0.00002; TOPMed 0.00002; gnomAD 0.00003; ExAC 0.00004.
gnomAD v4.1: 29 of 1,613,874 alleles (0.0018%); highest among the groups gnomAD compares: Admixed American, 0.0067%; no homozygotes.

Submissions (3):

PreventionGenetics, part of Exact Sciences
Classification: Uncertain significance for SCN4A-related condition. Last evaluated: 2025-03-08. Review status: criteria provided, single submitter. Criteria: ACMG Guidelines, 2015. Collection method: clinical testing. Allele origin: germline.
Comment: The SCN4A c.5179G>A variant is predicted to result in the amino acid substitution p.Glu1727Lys. To our knowledge, this variant has not been reported in the literature. This variant is reported in 0.0058% of alleles in individuals of Latino descent in gnomAD. At this time, the clinical significance of this variant is uncertain due to the absence of conclusive functional and genetic evidence.

Labcorp Genetics (formerly Invitae), Labcorp
Classification: Uncertain significance for Hyperkalemic periodic paralysis. Last evaluated: 2023-12-06. Review status: criteria provided, single submitter. Criteria: Invitae Variant Classification Sherloc (09022015). Collection method: clinical testing. Allele origin: germline.
Comment: This sequence change replaces glutamic acid, which is acidic and polar, with lysine, which is basic and polar, at codon 1727 of the SCN4A protein (p.Glu1727Lys). This variant is present in population databases (rs747666894, gnomAD 0.006%). This variant has not been reported in the literature in individuals affected with SCN4A-related conditions. ClinVar contains an entry for this variant (Variation ID: 2175383). Advanced modeling of protein sequence and biophysical properties (such as structural, functional, and spatial information, amino acid conservation, physicochemical variation, residue mobility, and thermodynamic stability) performed at Invitae indicates that this missense variant is expected to disrupt SCN4A protein function with a positive predictive value of 95%. In summary, the available evidence is currently insufficient to determine the role of this variant in disease. Therefore, it has been classified as a Variant of Uncertain Significance.

Ambry Genetics
Classification: Uncertain significance for Inborn genetic diseases. Last evaluated: 2023-11-29. Review status: criteria provided, single submitter. Criteria: Ambry Variant Classification Scheme 2023. Collection method: clinical testing. Allele origin: germline.